The following is an entry in ClinVar:

NM_177438.3(DICER1):c.3848T>C (p.Ile1283Thr)

Gene: DICER1 (dicer 1, ribonuclease III; minus strand). Cytogenetic location: 14q32.13.
Variant type: single nucleotide variant.
Coding change: c.3848T>C on transcript NM_177438.3 (MANE Select); coding-DNA position 3848, T replaced by C.
Protein change: p.Ile1283Thr; replaces isoleucine 1283 with threonine.
Molecular consequence: missense variant.
Genome position (GRCh38, 1-based): chr14:95,103,548, A>G on the plus strand (T>C on the coding strand, the complement: DICER1 is on the minus strand). VCF-style: chr14-95103548-A-G. GRCh37 (hg19) VCF-style: chr14-95569885-A-G.
Other names: c.3848T>C, p.Ile1283Thr (NM_001195573.1, NM_001271282.3, NM_001291628.2 and 1 more transcripts); short protein forms I1283T.
Identifiers: ClinVar variation 242093 (VCV000242093.20), dbSNP rs754352488, ClinGen allele CA7330977.
Genomic context (GRCh38, chr14:95,103,548, plus strand): 5'-AGAGTCAAAGCCTGAAGAATAAGTCCAGGATTGGGGCCAAGAGTCCTTGAGGAGTACCCA[A>G]TAGAAGGGCTCTGCTCAGAATCCATCCTGCCCTTGAGCACTTGAATAGTGTCTGTCGTAC-3'
Protein context (NP_803187.1, residues 1273-1293): GRMDSEQSPS[Ile1283Thr]GYSSRTLGPN

ClinVar aggregate classification (germline): Uncertain significance. Review status: criteria provided, multiple submitters, no conflicts (2 of 4 stars). 5 submissions from 5 submitters: Uncertain significance (5). Last evaluated 2026-01-31.

Conditions:
DICER1-related tumor predisposition. Also called: DICER1 syndrome; DICER1-related pleuropulmonary blastoma cancer predisposition syndrome. Identifiers: Orphanet 284343, MedGen C3839822, MONDO:0100216.
Hereditary cancer-predisposing syndrome. Also called: Neoplastic Syndromes, Hereditary; Tumor predisposition; Hereditary neoplastic syndrome; Hereditary Cancer Syndrome. Identifiers: Orphanet 140162, MedGen C0027672, MeSH D009386, MONDO:0015356.

Allele frequency attached by ClinVar (database versions not stated): gnomAD exomes below 0.00001 and 0.00001; TOPMed below 0.00001; ExAC 0.00001.
gnomAD v4.1: 8 of 1,614,174 alleles (0.0005%); highest among the groups gnomAD compares: Admixed American, 0.0017%; no homozygotes.

Submissions (5):

Labcorp Genetics (formerly Invitae), Labcorp
Classification: Uncertain significance for DICER1-related tumor predisposition. Last evaluated: 2026-01-31. Review status: criteria provided, single submitter. Criteria: Invitae Variant Classification Sherloc (09022015). Collection method: clinical testing. Allele origin: germline.
Comment: This sequence change replaces isoleucine, which is neutral and non-polar, with threonine, which is neutral and polar, at codon 1283 of the DICER1 protein (p.Ile1283Thr). This variant is present in population databases (rs754352488, gnomAD 0.003%). This variant has not been reported in the literature in individuals affected with DICER1-related conditions. ClinVar contains an entry for this variant (Variation ID: 242093). Invitae Evidence Modeling of protein sequence and biophysical properties (such as structural, functional, and spatial information, amino acid conservation, physicochemical variation, residue mobility, and thermodynamic stability) indicates that this missense variant is not expected to disrupt DICER1 protein function with a negative predictive value of 95%. In summary, the available evidence is currently insufficient to determine the role of this variant in disease. Therefore, it has been classified as a Variant of Uncertain Significance.

Hereditary Cancer Group, L’Institut d'Investigació Biomèdica de Bellvitge
Classification: Uncertain significance for Hereditary cancer-predisposing syndrome. Last evaluated: 2024-12-19. Review status: criteria provided, single submitter. Criteria: Hatton et al. (Hum Mutat. 2023). Collection method: clinical testing. Allele origin: germline. Inheritance: Autosomal dominant inheritance. Affected: yes.
Comment: PM2_supporting, BP4

Ambry Genetics
Classification: Uncertain significance for Hereditary cancer-predisposing syndrome. Last evaluated: 2024-08-07. Review status: criteria provided, single submitter. Criteria: Ambry Variant Classification Scheme 2023. Collection method: clinical testing. Allele origin: germline.
Comment: The p.I1283T variant (also known as c.3848T>C), located in coding exon 20 of the DICER1 gene, results from a T to C substitution at nucleotide position 3848. The isoleucine at codon 1283 is replaced by threonine, an amino acid with similar properties. This amino acid position is poorly conserved in available vertebrate species. In addition, this alteration is predicted to be tolerated by in silico analysis. Since supporting evidence is limited at this time, the clinical significance of this alteration remains unclear.

GeneDx
Classification: Uncertain significance. Last evaluated: 2024-05-17. Review status: criteria provided, single submitter. Criteria: GeneDx Variant Classification Process June 2021. Collection method: clinical testing. Allele origin: germline. Affected: yes.
Comment: Not observed at significant frequency in large population cohorts (gnomAD); In silico analysis indicates that this missense variant does not alter protein structure/function; Has not been previously published as pathogenic or benign to our knowledge

Mendelics
Classification: Uncertain significance. Last evaluated: 2022-05-04. Review status: criteria provided, single submitter. Criteria: Mendelics Assertion Criteria 2019. Collection method: clinical testing. Allele origin: germline.